The following is an entry in ClinVar:

ClinVar aggregate classification (germline): Uncertain significance (1 of 4 stars; one submission).

Conditions:
Diamond-Blackfan anemia 6 (DBA6). Also called: RPL5-Related Diamond-Blackfan Anemia. Identifiers: Orphanet 124, MedGen C2931850, MONDO:0012937, OMIM 612561.

Submission:

Victorian Clinical Genetics Services, Murdoch Childrens Research Institute
Classification: Uncertain significance for Diamond-Blackfan anemia 6. Last evaluated: 2020-05-25. Review status: criteria provided, single submitter. Criteria: ACMG Guidelines, 2015. Collection method: clinical testing. Allele origin: germline. Inheritance: Autosomal dominant inheritance. Affected: yes.
Comment: Based on the classification scheme VCGS_Germline_v1.1.1, this variant is classified as 3A-VUS. Following criteria are met: 0102 - Loss-of-function is a known mechanism of disease for this gene. (N) 0107 - This gene is known to be associated with autosomal dominant disease. (N) 0211 - Canonical splice site variant without proven consequence on splicing (no functional evidence available) (intron 5 of 7). (P) 0251 - Variant is heterozygous. (N) 0301 - Variant is absent from gnomAD. (P) 0505 - Abnormal splicing is predicted by in-silico tools and affected nucleotide is highly conserved. (P) 0705 - No comparable variants have previous evidence for pathogenicity. (N) 0807 - Variant has not previously been reported in a clinical context. (N) 0905 - No segregation evidence has been identified for this variant. (N) 1007 - No published functional evidence has been identified for this variant. (N) 1208 - Inheritance information for this variant is not currently available. (N) Legend: (P) - Pathogenic, (N) - Neutral, (B) - Benign

NM_000969.5(RPL5):c.528-1G>A

Genes: DIPK1A (divergent protein kinase domain 1A; minus strand), RPL5 (ribosomal protein L5; plus strand). Cytogenetic location: 1p22.1.
Variant type: single nucleotide variant.
Coding change: c.528-1G>A on transcript NM_000969.5 (MANE Select); the canonical splice acceptor site of the intron before coding-DNA position 528, G replaced by A.
Molecular consequence: splice acceptor variant. On other transcripts: intron variant (1).
Genome position (GRCh38, 1-based): chr1:92,837,455, G>A. VCF-style: chr1-92837455-G-A. GRCh37 (hg19) VCF-style: chr1-93303012-G-A.
Other names: c.475-4421C>T (NM_001252273.2).
Identifiers: ClinVar variation 1805856 (VCV001805856.1), dbSNP rs2524462119, ClinGen allele CA341242753.